The following is an entry in ClinVar:

ClinVar aggregate classification (germline): Uncertain significance (1 of 4 stars; one submission).

Conditions:
Cardiovascular phenotype. Identifiers: MedGen CN230736.

Submission:

Ambry Genetics
Classification: Uncertain significance for Cardiovascular phenotype. Last evaluated: 2022-08-08. Review status: criteria provided, single submitter. Criteria: Ambry Variant Classification Scheme 2023. Collection method: clinical testing. Allele origin: germline.
Comment: The p.Y167F variant (also known as c.500A>T), located in coding exon 4 of the GATAD1 gene, results from an A to T substitution at nucleotide position 500. The tyrosine at codon 167 is replaced by phenylalanine, an amino acid with highly similar properties. This amino acid position is conserved. In addition, this alteration is predicted to be tolerated by in silico analysis. Since supporting evidence is limited at this time, the clinical significance of this alteration remains unclear.

NM_021167.5(GATAD1):c.500A>T (p.Tyr167Phe)

Gene: GATAD1 (GATA zinc finger domain containing 1; plus strand). Cytogenetic location: 7q21.2.
Variant type: single nucleotide variant.
Coding change: c.500A>T on transcript NM_021167.5 (MANE Select); coding-DNA position 500, A replaced by T.
Protein change: p.Tyr167Phe; replaces tyrosine 167 with phenylalanine.
Molecular consequence: missense variant. On other transcripts: non-coding transcript variant (1).
Genome position (GRCh38, 1-based): chr7:92,454,566, A>T. VCF-style: chr7-92454566-A-T. GRCh37 (hg19) VCF-style: chr7-92083880-A-T.
Other names: short protein forms Y167F.
Identifiers: ClinVar variation 1744750 (VCV001744750.2), dbSNP rs2484536882, ClinGen allele CA368160199.